The following is an entry in ClinVar:

ClinVar aggregate classification (germline): Uncertain significance (1 of 4 stars; one submission).

gnomAD v4.1: 7 of 1,549,054 alleles (0.00045%); highest among the groups gnomAD compares: Non-Finnish European, 0.00061%; no homozygotes.

Submission:

Labcorp Genetics (formerly Invitae), Labcorp
Classification: Uncertain significance. Last evaluated: 2025-12-20. Review status: criteria provided, single submitter. Criteria: Invitae Variant Classification Sherloc (09022015). Collection method: clinical testing. Allele origin: germline.
Comment: This sequence change replaces glutamine, which is neutral and polar, with glutamic acid, which is acidic and polar, at codon 373 of the RIMS1 protein (p.Gln373Glu). This variant is not present in population databases (gnomAD no frequency). This variant has not been reported in the literature in individuals affected with RIMS1-related conditions. An algorithm developed to predict the effect of missense changes on protein structure and function (PolyPhen-2) suggests that this variant is likely to be tolerated. In summary, the available evidence is currently insufficient to determine the role of this variant in disease. Therefore, it has been classified as a Variant of Uncertain Significance.

NM_014989.7(RIMS1):c.1117C>G (p.Gln373Glu)

Gene: RIMS1 (regulating synaptic membrane exocytosis 1; plus strand). Cytogenetic location: 6q13.
Variant type: single nucleotide variant.
Coding change: c.1117C>G on transcript NM_014989.7 (MANE Select); coding-DNA position 1117, C replaced by G.
Protein change: p.Gln373Glu; replaces glutamine 373 with glutamic acid.
Molecular consequence: missense variant.
Genome position (GRCh38, 1-based): chr6:72,182,588, C>G. VCF-style: chr6-72182588-C-G. GRCh37 (hg19) VCF-style: chr6-72892291-C-G.
Other names: short protein forms Q373E.
Identifiers: ClinVar variation 4733118 (VCV004733118.1).
Genomic context (GRCh38, chr6:72,182,588, plus strand): 5'-ACCAGGTACCGCAGCGACCCGAACCTAGCTCGGTACCCGGTGAAACCGCCGCCTGAGGAG[C>G]AGCAGATGCGCATGCACGCCCGGGTGTCCCGCGCCAGGCACGAGCGGCGCCACAGCGACG-3'
Protein context (NP_055804.2, residues 363-383): RYPVKPPPEE[Gln373Glu]QMRMHARVSR